The following is an entry in ClinVar:

NM_001177693.2(ARHGEF28):c.3137A>G (p.Asn1046Ser)

Gene: ARHGEF28 (Rho guanine nucleotide exchange factor 28; plus strand). Cytogenetic location: 5q13.2.
Variant type: single nucleotide variant.
Coding change: c.3137A>G on transcript NM_001177693.2 (MANE Select); coding-DNA position 3137, A replaced by G.
Protein change: p.Asn1046Ser; replaces asparagine 1046 with serine.
Molecular consequence: missense variant.
Genome position (GRCh38, 1-based): chr5:73,885,931, A>G. VCF-style: chr5-73885931-A-G. GRCh37 (hg19) VCF-style: chr5-73181756-A-G.
Other names: c.3137A>G, p.Asn1046Ser (NM_001080479.3, NM_001388078.1); c.2198A>G, p.Asn733Ser (NM_001244364.2); c.2843A>G, p.Asn948Ser (NM_001388076.1); short protein forms N1046S, N733S, N948S.
Identifiers: ClinVar variation 3352685 (VCV003352685.1).

ClinVar aggregate classification (germline): Likely benign (0 of 4 stars; one submission).

Conditions:
ARHGEF28-related disorder. Also called: ARHGEF28-related condition.

gnomAD v4.1: 362 of 1,613,734 alleles (0.022%); highest among the groups gnomAD compares: East Asian, 0.23%; 2 homozygotes.

Submission:

PreventionGenetics, part of Exact Sciences
Classification: Likely benign for ARHGEF28-related condition. Last evaluated: 2024-06-14. Review status: no assertion criteria provided. Collection method: clinical testing. Allele origin: germline.
Comment: This variant is classified as likely benign based on ACMG/AMP sequence variant interpretation guidelines (Richards et al. 2015 PMID: 25741868, with internal and published modifications).